The following is an entry in ClinVar:

NM_000257.4(MYH7):c.734G>T (p.Gly245Val)

Gene: MYH7 (myosin heavy chain 7; minus strand). Cytogenetic location: 14q11.2.
Variant type: single nucleotide variant.
Coding change: c.734G>T on transcript NM_000257.4 (MANE Select); coding-DNA position 734, G replaced by T.
Protein change: p.Gly245Val; replaces glycine 245 with valine.
Molecular consequence: missense variant.
Genome position (GRCh38, 1-based): chr14:23,431,480, C>A on the plus strand (G>T on the coding strand, the complement: MYH7 is on the minus strand). VCF-style: chr14-23431480-C-A. GRCh37 (hg19) VCF-style: chr14-23900689-C-A.
Other names: c.734G>T, p.Gly245Val (NM_001407004.1); short protein forms G245V.
Identifiers: ClinVar variation 2829059 (VCV002829059.3), dbSNP rs397516267, ClinGen allele CA389052154.

ClinVar aggregate classification (germline): Uncertain significance (1 of 4 stars; one submission).

Conditions:
Hypertrophic cardiomyopathy. Also called: HYPERTROPHIC MYOCARDIOPATHY. Identifiers: Orphanet 217569, MedGen C0007194, MeSH D002312, MONDO:0005045, HP:0001639.

Submission:

Labcorp Genetics (formerly Invitae), Labcorp
Classification: Uncertain significance for Hypertrophic cardiomyopathy. Last evaluated: 2023-01-28. Review status: criteria provided, single submitter. Criteria: Invitae Variant Classification Sherloc (09022015). Collection method: clinical testing. Allele origin: germline.
Comment: In summary, the available evidence is currently insufficient to determine the role of this variant in disease. Therefore, it has been classified as a Variant of Uncertain Significance. Algorithms developed to predict the effect of missense changes on protein structure and function are either unavailable or do not agree on the potential impact of this missense change (SIFT: "Tolerated"; PolyPhen-2: "Probably Damaging"; Align-GVGD: "Class C0"). This variant has not been reported in the literature in individuals affected with MYH7-related conditions. This variant is not present in population databases (gnomAD no frequency). This sequence change replaces glycine, which is neutral and non-polar, with valine, which is neutral and non-polar, at codon 245 of the MYH7 protein (p.Gly245Val).